The following is an entry in ClinVar:

ClinVar aggregate classification (germline): Uncertain significance (1 of 4 stars; one submission).

Conditions:
Marfan syndrome (MFS). Also called: MARFAN SYNDROME, TYPE I; Marfan syndrome type 1; Marfan's syndrome; Marfan syndrome, classic; FBN1-Related Marfan Syndrome. Identifiers: Orphanet 284963, Orphanet 558, MedGen C0024796, MONDO:0007947, OMIM 154700.
Familial thoracic aortic aneurysm and aortic dissection (TAAD). Also called: Thoracic aortic aneurysms and dissections. Identifiers: Orphanet 91387, MedGen C4707243, MONDO:0019625.

Submission:

Labcorp Genetics (formerly Invitae), Labcorp
Classification: Uncertain significance for Marfan syndrome; Familial thoracic aortic aneurysm and aortic dissection. Last evaluated: 2024-05-29. Review status: criteria provided, single submitter. Criteria: Invitae Variant Classification Sherloc (09022015). Collection method: clinical testing. Allele origin: germline.
Comment: This sequence change falls in intron 57 of the FBN1 gene. It does not directly change the encoded amino acid sequence of the FBN1 protein. Information on the frequency of this variant in the gnomAD database is not available, as this variant may be reported differently in the database. This variant has not been reported in the literature in individuals affected with FBN1-related conditions. Experimental studies and prediction algorithms are not available or were not evaluated, and the effect of this variant on mRNA splicing is currently unknown. In summary, the available evidence is currently insufficient to determine the role of this variant in disease. Therefore, it has been classified as a Variant of Uncertain Significance.

NM_000138.5(FBN1):c.6997+17_6997+18delinsGA

Gene: FBN1 (fibrillin 1; minus strand). Cytogenetic location: 15q21.1.
Variant type: Indel.
Coding change: c.6997+17_6997+18delinsGA on transcript NM_000138.5 (MANE Select); bases 17 to 18 of the intron after coding-DNA position 6997, CC replaced by GA.
Molecular consequence: intron variant.
Genome position (GRCh38, 1-based): chr15:48,428,328-48,428,329, GG replaced by TC on the plus strand (CC replaced by GA on the coding strand, the reverse complement: FBN1 is on the minus strand). VCF-style: chr15-48428328-GG-TC. GRCh37 (hg19) VCF-style: chr15-48720525-GG-TC.
Other names: c.6997+17_6997+18delinsGA (NM_001406716.1).
Identifiers: ClinVar variation 2923610 (VCV002923610.2), dbSNP rs2141229764, ClinGen allele CA2740096565.
Genomic context (GRCh38, chr15:48,428,328, plus strand): 5'-TTTAAATAAGAAGTCTGGGTTTCCAGCATCCCAGTGTGGAGGCTGAGGTTAGGAAAGTGC[GG>TC]TGCCAACTGTACTCACCAAGGCACTCGTCCTGGTTGGGGCTGGCGGTAAACCCATCATTA-3'